The following is an entry in ClinVar:

NM_001261826.3(AP3D1):c.593-3C>T

Gene: AP3D1 (adaptor related protein complex 3 subunit delta 1; minus strand). Cytogenetic location: 19p13.3.
Variant type: single nucleotide variant.
Coding change: c.593-3C>T on transcript NM_001261826.3 (MANE Select); 3 bases into the intron before coding-DNA position 593, C replaced by T.
Molecular consequence: intron variant.
Genome position (GRCh38, 1-based): chr19:2,129,460, G>A on the plus strand (C>T on the coding strand, the complement: AP3D1 is on the minus strand). VCF-style: chr19-2129460-G-A. GRCh37 (hg19) VCF-style: chr19-2129459-G-A.
Other names: c.593-3C>T (NM_003938.8, NM_001374799.1).
Identifiers: ClinVar variation 2715563 (VCV002715563.4), dbSNP rs747067839, ClinGen allele CA9059642.

ClinVar aggregate classification (germline): Uncertain significance (1 of 4 stars; one submission).

Allele frequency attached by ClinVar (database versions not stated): ExAC 0.00001.

Submissions (2):

Labcorp Genetics (formerly Invitae), Labcorp
Classification: Uncertain significance. Last evaluated: 2024-11-04. Review status: criteria provided, single submitter. Criteria: Invitae Variant Classification Sherloc (09022015). Collection method: clinical testing. Allele origin: germline.
Comment: This sequence change falls in intron 6 of the AP3D1 gene. It does not directly change the encoded amino acid sequence of the AP3D1 protein. It affects a nucleotide within the consensus splice site. This variant is present in population databases (rs747067839, gnomAD 0.0009%). This variant has not been reported in the literature in individuals affected with AP3D1-related conditions. ClinVar contains an entry for this variant (Variation ID: 2715563). Variants that disrupt the consensus splice site are a relatively common cause of aberrant splicing (PMID: 17576681, 9536098). Algorithms developed to predict the effect of sequence changes on RNA splicing suggest that this variant is not likely to affect RNA splicing. In summary, the available evidence is currently insufficient to determine the role of this variant in disease. Therefore, it has been classified as a Variant of Uncertain Significance.

Dr. Peter K. Rogan Lab, Western University
No classification provided (evidence only). Condition: Gastric cancer. Review status: no classification provided. Collection method: in vitro. Allele origin: not applicable. Functional consequence: retained intron. Not counted in ClinVar's aggregate classification.

Literature cited by the submitters: PubMed 17576681 (cited by Labcorp Genetics (formerly Invitae), Labcorp); PubMed 9536098 (cited by Labcorp Genetics (formerly Invitae), Labcorp).